The following is an entry in ClinVar:

ClinVar aggregate classification (germline): Pathogenic/Likely pathogenic. Review status: criteria provided, multiple submitters, no conflicts (2 of 4 stars). 5 submissions from 5 submitters: Pathogenic (2); Likely pathogenic (2). 1 of the submissions does not count toward it. Last evaluated 2024-03-16.

Conditions:
Retinal dystrophy. Also called: Inherited retinal dystrophy. Identifiers: Orphanet 71862, MedGen C0854723, MeSH D058499, MONDO:0019118, HP:0000556.
PRPH2-related disorder. Also called: PRPH2-related condition; PRPH2-related disorders. Identifiers: MedGen CN239395.

Submissions (5):

Labcorp Genetics (formerly Invitae), Labcorp
Classification: Pathogenic for PRPH2-related disorder. Last evaluated: 2024-03-16. Review status: criteria provided, single submitter. Criteria: Invitae Variant Classification Sherloc (09022015). Collection method: clinical testing. Allele origin: germline.
Comment: This sequence change replaces phenylalanine, which is neutral and non-polar, with leucine, which is neutral and non-polar, at codon 211 of the PRPH2 protein (p.Phe211Leu). This variant is not present in population databases (gnomAD no frequency). This missense change has been observed in individuals with autosomal dominant retinitis pigmentosa (PMID: 9587927, 9673478, 10193525, 25447119). It has also been observed to segregate with disease in related individuals. ClinVar contains an entry for this variant (Variation ID: 1175266). Advanced modeling of protein sequence and biophysical properties (such as structural, functional, and spatial information, amino acid conservation, physicochemical variation, residue mobility, and thermodynamic stability) performed at Invitae indicates that this missense variant is expected to disrupt PRPH2 protein function with a positive predictive value of 95%. For these reasons, this variant has been classified as Pathogenic.

Dept Of Ophthalmology, Nagoya University
Classification: Likely pathogenic for Retinal dystrophy. Last evaluated: 2023-10-01. Review status: criteria provided, single submitter. Criteria: Submitter's publication. Collection method: research. Allele origin: germline. Affected: yes.

Blueprint Genetics
Classification: Pathogenic for PRPH2-related disorders. Last evaluated: 2022-08-18. Review status: criteria provided, single submitter. Criteria: ACMG Guidelines, 2015. Collection method: clinical testing. Allele origin: germline. Affected: yes. Observed: 3 variant alleles.

Institute of Human Genetics, Univ. Regensburg, Univ. Regensburg
Classification: Likely pathogenic for Retinal dystrophy. Last evaluated: 2016-01-01. Review status: criteria provided, single submitter. Criteria: ACMG Guidelines, 2015. Collection method: clinical testing. Allele origin: germline. Affected: yes.

Leiden Open Variation Database
Classification: Uncertain significance. Last evaluated: 2019-07-24. Review status: no assertion criteria provided. Collection method: curation. Allele origin: germline. Affected: yes. Not counted in ClinVar's aggregate classification.
Comment: Curator: Global Variome, with Curator vacancy. Submitter to LOVD: Yoshito Koyanagi.

Literature cited by the submitters: PubMed 9587927 (cited by Labcorp Genetics (formerly Invitae), Labcorp); PubMed 9673478 (cited by Labcorp Genetics (formerly Invitae), Labcorp); PubMed 10193525 (cited by Labcorp Genetics (formerly Invitae), Labcorp); PubMed 25447119 (cited by Labcorp Genetics (formerly Invitae), Labcorp); PubMed 37047703 (cited by Institute of Human Genetics, Univ. Regensburg, Univ. Regensburg); PubMed 36819107 (cited by Institute of Human Genetics, Univ. Regensburg, Univ. Regensburg); PubMed 31213501 (cited by Leiden Open Variation Database).

NM_000322.5(PRPH2):c.633C>G (p.Phe211Leu)

Gene: PRPH2 (peripherin 2; minus strand). Cytogenetic location: 6p21.1.
Variant type: single nucleotide variant.
Coding change: c.633C>G on transcript NM_000322.5 (MANE Select); coding-DNA position 633, C replaced by G.
Protein change: p.Phe211Leu; replaces phenylalanine 211 with leucine.
Molecular consequence: missense variant.
Genome position (GRCh38, 1-based): chr6:42,704,560, G>C on the plus strand (C>G on the coding strand, the complement: PRPH2 is on the minus strand). VCF-style: chr6-42704560-G-C. GRCh37 (hg19) VCF-style: chr6-42672298-G-C.
Other names: short protein forms F211L.
Identifiers: ClinVar variation 1175266 (VCV001175266.12), dbSNP rs61755799, ClinGen allele CA364135617.